The following is an entry in ClinVar:

ClinVar aggregate classification (germline): Uncertain significance (1 of 4 stars; one submission).

Conditions:
Hypertrophic cardiomyopathy 26. Also called: Cardiomyopathy, familial hypertrophic, 26. Identifiers: Orphanet 75249, MedGen C4310749, MONDO:0014883, OMIM 617047.
Myofibrillar myopathy 5. Also called: Filaminopathy (type); FILAMINOPATHY, AUTOSOMAL DOMINANT. Identifiers: Orphanet 171445, MedGen C1836050, MONDO:0012289, OMIM 609524.
Distal myopathy with posterior leg and anterior hand involvement. Also called: WILLIAMS DISTAL MYOPATHY. Identifiers: Orphanet 63273, MedGen C3279722, MONDO:0013550, OMIM 614065.

gnomAD v4.1: 2 of 1,614,122 alleles (0.00012%); highest among the groups gnomAD compares: Middle Eastern, 0.033%; no homozygotes.

Submission:

Labcorp Genetics (formerly Invitae), Labcorp
Classification: Uncertain significance for Distal myopathy with posterior leg and anterior hand involvement; Myofibrillar myopathy 5; Hypertrophic cardiomyopathy 26. Last evaluated: 2025-02-07. Review status: criteria provided, single submitter. Criteria: Invitae Variant Classification Sherloc (09022015). Collection method: clinical testing. Allele origin: germline.
Comment: This sequence change replaces aspartic acid, which is acidic and polar, with glutamic acid, which is acidic and polar, at codon 903 of the FLNC protein (p.Asp903Glu). This variant is not present in population databases (gnomAD no frequency). This variant has not been reported in the literature in individuals affected with FLNC-related conditions. Invitae Evidence Modeling of protein sequence and biophysical properties (such as structural, functional, and spatial information, amino acid conservation, physicochemical variation, residue mobility, and thermodynamic stability) has been performed for this missense variant. However, the output from this modeling did not meet the statistical confidence thresholds required to predict the impact of this variant on FLNC protein function. In summary, the available evidence is currently insufficient to determine the role of this variant in disease. Therefore, it has been classified as a Variant of Uncertain Significance.

NM_001458.5(FLNC):c.2709T>A (p.Asp903Glu)

Gene: FLNC (filamin C; plus strand). Cytogenetic location: 7q32.1.
Variant type: single nucleotide variant.
Coding change: c.2709T>A on transcript NM_001458.5 (MANE Select); coding-DNA position 2709, T replaced by A.
Protein change: p.Asp903Glu; replaces aspartic acid 903 with glutamic acid.
Molecular consequence: missense variant.
Genome position (GRCh38, 1-based): chr7:128,843,475, T>A. VCF-style: chr7-128843475-T-A. GRCh37 (hg19) VCF-style: chr7-128483529-T-A.
Other names: c.2709T>A, p.Asp903Glu (NM_001127487.2); short protein forms D903E.
Identifiers: ClinVar variation 4812667 (VCV004812667.1).